The following is an entry in ClinVar:

ClinVar aggregate classification (germline): Uncertain significance (1 of 4 stars; one submission).

Conditions:
Cardiomyopathy (CMYO). Also called: Cardiomyopathies. Identifiers: Orphanet 167848, MedGen C0878544, MONDO:0004994, HP:0001638. Inheritance: Various modes of inheritance.

gnomAD v4.1: 1 of 1,613,926 alleles (0.000062%); highest among the groups gnomAD compares: Non-Finnish European, 0.000085%; no homozygotes.

Submission:

All of Us Research Program, National Institutes of Health
Classification: Uncertain significance for Cardiomyopathy. Last evaluated: 2023-04-03. Review status: criteria provided, single submitter. Criteria: ACMG Guidelines, 2015. Collection method: clinical testing. Allele origin: germline. Inheritance: Autosomal dominant inheritance. Observed: 1 variant allele, 1 heterozygote.
Comment: This missense variant replaces lysine with arginine at codon 67 of the MYH7 protein. Computational prediction suggests that this variant may not impact protein structure and function (internally defined REVEL score threshold <= 0.5, PMID: 27666373). Splice site prediction tools suggest that this variant may impact RNA splicing. To our knowledge, functional studies have not been reported for this variant. This variant has not been reported in individuals affected with MYH7-related disorders in the literature. This variant has not been identified in the general population by the Genome Aggregation Database (gnomAD). The available evidence is insufficient to determine the role of this variant in disease conclusively. Therefore, this variant is classified as a Variant of Uncertain Significance.

This study involves interpretation of variants in research participants for the purpose of population health screening. Participant phenotype was not available at the time of variant classification. Additional details can be found in publication PMID: 35346344, PMCID: PMC8962531

NM_000257.4(MYH7):c.200A>G (p.Lys67Arg)

Gene: MYH7 (myosin heavy chain 7; minus strand). Cytogenetic location: 14q11.2.
Variant type: single nucleotide variant.
Coding change: c.200A>G on transcript NM_000257.4 (MANE Select); coding-DNA position 200, A replaced by G.
Protein change: p.Lys67Arg; replaces lysine 67 with arginine.
Molecular consequence: missense variant.
Genome position (GRCh38, 1-based): chr14:23,433,533, T>C on the plus strand (A>G on the coding strand, the complement: MYH7 is on the minus strand). VCF-style: chr14-23433533-T-C. GRCh37 (hg19) VCF-style: chr14-23902742-T-C.
Other names: c.200A>G, p.Lys67Arg (NM_001407004.1); short protein forms K67R.
Identifiers: ClinVar variation 3070069 (VCV003070069.1), dbSNP rs2138686446, ClinGen allele CA389053578.